The following is an entry in ClinVar:

NM_001042492.3(NF1):c.1713G>A (p.Trp571Ter)

Gene: NF1 (neurofibromin 1; plus strand). Cytogenetic location: 17q11.2.
Variant type: single nucleotide variant.
Coding change: c.1713G>A on transcript NM_001042492.3 (MANE Select); coding-DNA position 1713, G replaced by A.
Protein change: p.Trp571Ter; replaces tryptophan 571 with a stop codon.
Molecular consequence: nonsense.
Genome position (GRCh38, 1-based): chr17:31,221,921, G>A. VCF-style: chr17-31221921-G-A. GRCh37 (hg19) VCF-style: chr17-29548939-G-A.
Other names: c.1713G>A, p.Trp571Ter (NM_000267.4, NM_001128147.3); short protein forms W571*.
Identifiers: ClinVar variation 216061 (VCV000216061.13), dbSNP rs863224489, ClinGen allele CA337698.
Genomic context (GRCh38, chr17:31,221,921, plus strand): 5'-TCTTCATCAGTTAGATAGCATTGATTTGTGGAATCCTGATGCTCCTGTAGAAACATTTTG[G>A]GAGATTAGGTATATGTACTTTTATTTTTTAAATTCAACTTTTAAATTTTATTTTGTATTT-3'

ClinVar aggregate classification (germline): Pathogenic. Review status: criteria provided, multiple submitters, no conflicts (2 of 4 stars). 4 submissions from 4 submitters: Pathogenic (4). Last evaluated 2024-07-16.

Conditions:
Neurofibromatosis, type 1 (NF1). Also called: VON RECKLINGHAUSEN DISEASE; Peripheral type neurofibromatosis; Neurofibromatosis, type I; NEUROFIBROMATOSIS, TYPE I, SOMATIC. Identifiers: Orphanet 636, MedGen C0027831, MONDO:0018975, OMIM 162200. Disease mechanism: loss of function.

Submissions (4):

Labcorp Genetics (formerly Invitae), Labcorp
Classification: Pathogenic for Neurofibromatosis, type 1. Last evaluated: 2024-07-16. Review status: criteria provided, single submitter. Criteria: Invitae Variant Classification Sherloc (09022015). Collection method: clinical testing. Allele origin: germline.
Comment: This sequence change creates a premature translational stop signal (p.Trp571*) in the NF1 gene. It is expected to result in an absent or disrupted protein product. Loss-of-function variants in NF1 are known to be pathogenic (PMID: 10712197, 23913538). This variant is not present in population databases (gnomAD no frequency). This premature translational stop signal has been observed in individual(s) with NF1-related conditions (PMID: 16786508, 17960768, 23583981). ClinVar contains an entry for this variant (Variation ID: 216061). Studies have shown that this premature translational stop signal is associated with inconclusive levels of altered splicing (Invitae). For these reasons, this variant has been classified as Pathogenic.

NHS Central & South Genomic Laboratory Hub
Classification: Pathogenic for Neurofibromatosis type 1. Last evaluated: 2024-07-01. Review status: criteria provided, single submitter. Criteria: ACMG Guidelines, 2015. Collection method: clinical testing. Allele origin: germline. Affected: yes.

Genome-Nilou Lab
Classification: Pathogenic for Neurofibromatosis, type 1. Last evaluated: 2022-03-15. Review status: criteria provided, single submitter. Criteria: ACMG Guidelines, 2015. Collection method: clinical testing. Allele origin: germline. Affected: no.

Centre for Mendelian Genomics, University Medical Centre Ljubljana
Classification: Pathogenic for Neurofibromatosis, type 1. Last evaluated: 2018-10-26. Review status: criteria provided, single submitter. Criteria: ACMG Guidelines, 2015. Collection method: clinical testing. Allele origin: unknown. Affected: yes.
Comment: This variant was classified as: Pathogenic. The following ACMG criteria were applied in classifying this variant: PVS1,PS1,PM2,PP3.

Literature cited by the submitters: PubMed 10712197 (cited by Labcorp Genetics (formerly Invitae), Labcorp); PubMed 23913538 (cited by Labcorp Genetics (formerly Invitae), Labcorp); PubMed 16786508 (cited by Labcorp Genetics (formerly Invitae), Labcorp); PubMed 17960768 (cited by Labcorp Genetics (formerly Invitae), Labcorp); PubMed 23583981 (cited by Labcorp Genetics (formerly Invitae), Labcorp).